The following is an entry in ClinVar:

NM_000065.5(C6):c.50A>G (p.Asn17Ser)

Gene: C6 (complement C6; minus strand). Cytogenetic location: 5p13.1.
Variant type: single nucleotide variant.
Coding change: c.50A>G on transcript NM_000065.5 (MANE Select); coding-DNA position 50, A replaced by G.
Protein change: p.Asn17Ser; replaces asparagine 17 with serine.
Molecular consequence: missense variant.
Genome position (GRCh38, 1-based): chr5:41,203,181, T>C on the plus strand (A>G on the coding strand, the complement: C6 is on the minus strand). VCF-style: chr5-41203181-T-C. GRCh37 (hg19) VCF-style: chr5-41203283-T-C.
Other names: c.50A>G, p.Asn17Ser (NM_001115131.4); short protein forms N17S.
Identifiers: ClinVar variation 1367549 (VCV001367549.6), dbSNP rs1238973351, ClinGen allele CA359605675.

ClinVar aggregate classification (germline): Uncertain significance (1 of 4 stars; one submission).

Allele frequency attached by ClinVar (database versions not stated): TOPMed below 0.00001; gnomAD 0.00001; gnomAD exomes 0.00001.
gnomAD v4.1: 23 of 1,613,988 alleles (0.0014%); highest among the groups gnomAD compares: Non-Finnish European, 0.0019%; no homozygotes.

Submission:

Labcorp Genetics (formerly Invitae), Labcorp
Classification: Uncertain significance. Last evaluated: 2021-11-17. Review status: criteria provided, single submitter. Criteria: Invitae Variant Classification Sherloc (09022015). Collection method: clinical testing. Allele origin: germline.
Comment: In summary, the available evidence is currently insufficient to determine the role of this variant in disease. Therefore, it has been classified as a Variant of Uncertain Significance. Algorithms developed to predict the effect of sequence changes on RNA splicing suggest that this variant may create or strengthen a splice site. Algorithms developed to predict the effect of missense changes on protein structure and function output the following: SIFT: "Tolerated"; PolyPhen-2: "Benign"; Align-GVGD: "Class C0". The serine amino acid residue is found in multiple mammalian species, which suggests that this missense change does not adversely affect protein function. This variant has not been reported in the literature in individuals affected with C6-related conditions. This variant is present in population databases (no rsID available, gnomAD 0.004%). This sequence change replaces asparagine, which is neutral and polar, with serine, which is neutral and polar, at codon 17 of the C6 protein (p.Asn17Ser).